The following is an entry in ClinVar:

NM_000257.4(MYH7):c.4978G>C (p.Ala1660Pro)

Genes: MYH7 (myosin heavy chain 7; minus strand), MHRT (myosin heavy chain associated RNA transcript; plus strand), LOC126861897 (BRD4-independent group 4 enhancer GRCh37_chr14:23884455-23885654; plus strand). Cytogenetic location: 14q11.2.
Variant type: single nucleotide variant.
Coding change: c.4978G>C on transcript NM_000257.4 (MANE Select); coding-DNA position 4978, G replaced by C.
Protein change: p.Ala1660Pro; replaces alanine 1660 with proline.
Molecular consequence: missense variant. On other transcripts: non-coding transcript variant (1).
Genome position (GRCh38, 1-based): chr14:23,415,808, C>G on the plus strand (G>C on the coding strand, the complement: MYH7 is on the minus strand). VCF-style: chr14-23415808-C-G. GRCh37 (hg19) VCF-style: chr14-23885017-C-G.
Other names: short protein forms A1660P.
Identifiers: ClinVar variation 976304 (VCV000976304.2), dbSNP rs1892176969, ClinGen allele CA389037205.
Genomic context (GRCh38, chr14:23,415,808, plus strand): 5'-GGTTGTTGCGCCGCTCCACGATGGCGATGTTCTCCTTCAGGTCGTCGTTGGCACGGACTG[C>G]ATCGTCCAGCTGAATCTGGGTGTCCTGAGGATCAGGAGAGTGGGCATGAGCAGGGAGCCA-3'
Protein context (NP_000248.2, residues 1650-1670): LKDTQIQLDD[Ala1660Pro]VRANDDLKEN

ClinVar aggregate classification (germline): Uncertain significance (1 of 4 stars; one submission).

Conditions:
Myosin storage myopathy (CMYO7A). Also called: Scapuloperoneal myopathy, MYH7-related; MYOPATHY, HYALINE BODY, AUTOSOMAL DOMINANT; MYH7-related late-onset scapuloperoneal muscular dystrophy; Congenital myopathy 7A, myosin storage, autosomal dominant; SCAPULOPERONEAL MUSCULAR DYSTROPHY; SCAPULOPERONEAL SYNDROME, MYOPATHIC TYPE. Identifiers: Orphanet 437572, Orphanet 636965, MedGen C1842160, MONDO:0008409, OMIM 608358.

Submission:

Institute of Human Genetics, University of Leipzig Medical Center
Classification: Uncertain significance for Myosin storage myopathy. Last evaluated: 2020-02-12. Review status: criteria provided, single submitter. Criteria: ACMG Guidelines, 2015. Collection method: clinical testing. Allele origin: de novo. Affected: yes. Observed: 1 variant allele.
Comment: This variant was identified as de novo (maternity and paternity confirmed).